The following is an entry in ClinVar:

ClinVar aggregate classification (germline): Likely benign. Review status: reviewed by expert panel (3 of 4 stars). 13 submissions from 13 submitters: Likely benign (1). 12 of the submissions do not count toward it. Last evaluated 2017-06-29.

Conditions:
BRCA2-related cancer predisposition. Identifiers: MedGen CN377758, MONDO:0700269.
Hereditary cancer-predisposing syndrome. Also called: Tumor predisposition; Neoplastic Syndromes, Hereditary; Hereditary neoplastic syndrome; Hereditary Cancer Syndrome. Identifiers: Orphanet 140162, MedGen C0027672, MeSH D009386, MONDO:0015356.
Hereditary breast ovarian cancer syndrome. Also called: Hereditary breast and ovarian cancer; BRCA1- and BRCA2-Associated Hereditary Breast and Ovarian Cancer; Hereditary breast and/or ovarian cancer syndrome; Hereditary breast and ovarian cancer syndrome; Breast and ovarian cancer; Hereditary breast and ovarian cancer syndrome (HBOC). Identifiers: Orphanet 145, MedGen C0677776, MeSH D061325, MONDO:0003582. Disease mechanism: loss of function.
Breast-ovarian cancer, familial, susceptibility to, 2 (BROVCA2). Also called: BRCA2 Hereditary Breast and Ovarian Cancer. Identifiers: Orphanet 145, MedGen C2675520, MONDO:0012933, OMIM 612555. Disease mechanism: loss of function.

Allele frequency attached by ClinVar (database versions not stated): ExAC 0.00001; gnomAD 0.00001; gnomAD exomes 0.00001; TOPMed 0.00002.
gnomAD v4.1: 17 of 1,591,942 alleles (0.0011%); highest among the groups gnomAD compares: Admixed American, 0.0073%; no homozygotes.

Submissions (13):

Evidence-based Network for the Interpretation of Germline Mutant Alleles (ENIGMA)
Classification: Likely benign for Breast-ovarian cancer, familial, susceptibility to, 2. Last evaluated: 2017-06-29. Review status: reviewed by expert panel. Criteria: ENIGMA BRCA1/2 Classification Criteria (2017-06-29). Collection method: curation. Allele origin: germline.
Comment: Synonymous substitution variant, with low bioinformatic likelihood to result in a splicing aberration (Splicing prior probability 0.02).

Labcorp Genetics (formerly Invitae), Labcorp
Classification: Likely benign for Hereditary breast ovarian cancer syndrome. Last evaluated: 2026-01-15. Review status: criteria provided, single submitter. Criteria: Invitae Variant Classification Sherloc (09022015). Collection method: clinical testing. Allele origin: germline. Not counted in ClinVar's aggregate classification.

Ambry Genetics
Classification: Likely benign for Hereditary cancer-predisposing syndrome. Last evaluated: 2024-11-08. Review status: criteria provided, single submitter. Criteria: Ambry Variant Classification Scheme 2023. Collection method: clinical testing. Allele origin: germline. Not counted in ClinVar's aggregate classification.

Blueprint Genetics
Classification: Likely benign. Last evaluated: 2024-05-23. Review status: criteria provided, single submitter. Criteria: ACMG Guidelines, 2015. Collection method: clinical testing. Allele origin: germline. Not counted in ClinVar's aggregate classification.

Department of Pathology and Laboratory Medicine, Sinai Health System
Classification: Likely benign for BRCA2-related cancer predisposition. Last evaluated: 2024-04-18. Review status: criteria provided, single submitter. Criteria: ACMG Guidelines, 2015. Collection method: clinical testing. Allele origin: germline. Affected: no. Not counted in ClinVar's aggregate classification.

ARUP Laboratories, Molecular Genetics and Genomics, ARUP Laboratories
Classification: Likely benign. Last evaluated: 2023-12-11. Review status: criteria provided, single submitter. Criteria: ARUP Molecular Germline Variant Investigation Process 2024. Collection method: clinical testing. Allele origin: germline. Not counted in ClinVar's aggregate classification.

All of Us Research Program, National Institutes of Health
Classification: Likely benign for Breast-ovarian cancer, familial, susceptibility to, 2. Last evaluated: 2023-11-30. Review status: criteria provided, single submitter. Criteria: ACMG Guidelines, 2015. Collection method: clinical testing. Allele origin: germline. Inheritance: Autosomal dominant inheritance. Observed: 6 variant alleles, 6 heterozygotes. Not counted in ClinVar's aggregate classification.
Comment: This study involves interpretation of variants in research participants for the purpose of population health screening. Participant phenotype was not available at the time of variant classification. Additional details can be found in publication PMID: 35346344, PMCID: PMC8962531

Quest Diagnostics Nichols Institute San Juan Capistrano
Classification: Uncertain significance. Last evaluated: 2023-06-01. Review status: criteria provided, single submitter. Criteria: Quest Diagnostics criteria. Collection method: clinical testing. Allele origin: unknown. Not counted in ClinVar's aggregate classification.
Comment: To the best of our knowledge, this variant has not been reported in the published literature. The frequency of this variant in the general population, 0.000013 (3/233852 chromosomes (Genome Aggregation Database)), is uninformative in the assessment of its pathogenicity. Analysis of this variant using software algorithms for the prediction of the effect of nucleotide changes on splicing yielded predictions that this variant does not affect BRCA2 mRNA splicing . Based on the available information, we are unable to determine the clinical significance of this variant.

Women's Health and Genetics/Laboratory Corporation of America, LabCorp
Classification: Likely benign. Last evaluated: 2022-06-27. Review status: criteria provided, single submitter. Criteria: LabCorp Variant Classification Summary - May 2015. Collection method: clinical testing. Allele origin: germline. Not counted in ClinVar's aggregate classification.

Mendelics
Classification: Likely benign for Breast-ovarian cancer, familial, susceptibility to, 2. Last evaluated: 2019-05-28. Review status: criteria provided, single submitter. Criteria: Mendelics Assertion Criteria 2017. Collection method: clinical testing. Allele origin: unknown. Not counted in ClinVar's aggregate classification.

Color Diagnostics, LLC DBA Color Health
Classification: Likely benign for Hereditary cancer-predisposing syndrome. Last evaluated: 2016-12-21. Review status: criteria provided, single submitter. Criteria: ACMG Guidelines, 2015. Collection method: clinical testing. Allele origin: germline. Not counted in ClinVar's aggregate classification.

GeneDx
Classification: Benign. Last evaluated: 2015-09-01. Review status: criteria provided, single submitter. Criteria: GeneDx Variant Classification Process June 2021. Collection method: clinical testing. Allele origin: germline. Affected: yes. Not counted in ClinVar's aggregate classification.
Comment: This variant is associated with the following publications: (PMID: 23096105)

Breast Cancer Information Core (BIC) (BRCA2)
Classification: Uncertain significance for Breast-ovarian cancer, familial 2. Last evaluated: 2009-06-25. Review status: no assertion criteria provided. Collection method: clinical testing. Allele origin: germline. Affected: yes. Observed: 1 variant allele. Not counted in ClinVar's aggregate classification.

NM_000059.4(BRCA2):c.4023A>C (p.Ser1341=)

Gene: BRCA2 (BRCA2 DNA repair associated; plus strand). Cytogenetic location: 13q13.1.
Variant type: single nucleotide variant.
Coding change: c.4023A>C on transcript NM_000059.4 (MANE Select); coding-DNA position 4023, A replaced by C.
Protein change: p.Ser1341=; no amino-acid change (serine 1341 retained).
Molecular consequence: synonymous variant.
Genome position (GRCh38, 1-based): chr13:32,338,378, A>C. VCF-style: chr13-32338378-A-C. GRCh37 (hg19) VCF-style: chr13-32912515-A-C.
Other names: S1341S.
Identifiers: ClinVar variation 51583 (VCV000051583.28), dbSNP rs276174840, ClinGen allele CA019406.